The following is an entry in ClinVar:

ClinVar aggregate classification (germline): Uncertain significance (1 of 4 stars; one submission).

Conditions:
Joubert syndrome 16 (JBTS16). Identifiers: Orphanet 2318, MedGen C3280906, MONDO:0013764, OMIM 614465.

Allele frequency attached by ClinVar (database versions not stated): gnomAD 0.00001.
gnomAD v4.1: 1 of 1,614,098 alleles (0.000062%); highest among the groups gnomAD compares: African/African-American, 0.0013%; no homozygotes.

Submission:

Labcorp Genetics (formerly Invitae), Labcorp
Classification: Uncertain significance for Joubert syndrome 16. Last evaluated: 2025-06-12. Review status: criteria provided, single submitter. Criteria: Invitae Variant Classification Sherloc (09022015). Collection method: clinical testing. Allele origin: germline.
Comment: This sequence change replaces lysine, which is basic and polar, with methionine, which is neutral and non-polar, at codon 77 of the TMEM138 protein (p.Lys77Met). This variant is present in population databases (no rsID available, gnomAD 0.01%). This variant has not been reported in the literature in individuals affected with TMEM138-related conditions. ClinVar contains an entry for this variant (Variation ID: 2134428). An algorithm developed to predict the effect of missense changes on protein structure and function (PolyPhen-2) suggests that this variant is likely to be disruptive. In summary, the available evidence is currently insufficient to determine the role of this variant in disease. Therefore, it has been classified as a Variant of Uncertain Significance.

NM_016464.5(TMEM138):c.230A>T (p.Lys77Met)

Gene: TMEM138 (transmembrane protein 138; plus strand). Cytogenetic location: 11q12.2.
Variant type: single nucleotide variant.
Coding change: c.230A>T on transcript NM_016464.5 (MANE Select); coding-DNA position 230, A replaced by T.
Protein change: p.Lys77Met; replaces lysine 77 with methionine.
Molecular consequence: missense variant. On other transcripts: non-coding transcript variant (1).
Genome position (GRCh38, 1-based): chr11:61,366,146, A>T. VCF-style: chr11-61366146-A-T. GRCh37 (hg19) VCF-style: chr11-61133618-A-T.
Other names: c.56A>T, p.Lys19Met (NM_001330281.2); c.230A>T, p.Lys77Met (NM_001410997.1, NM_001410998.1, NM_001410999.1); short protein forms K19M, K77M.
Identifiers: ClinVar variation 2134428 (VCV002134428.4), dbSNP rs1230624479, ClinGen allele CA380679069.
Genomic context (GRCh38, chr11:61,366,146, plus strand): 5'-TCCTCATGTTCTTCAACACCTTCGTCTTCCAGGCTGGCCTGGTCAACCTCCTATTCCATA[A>T]GTTCAAAGGGACCATCATCCTGACAGCTGTGTACTTTGCCCTCAGCATCTCCCTTCATGT-3'
Protein context (NP_057548.1, residues 67-87): QAGLVNLLFH[Lys77Met]FKGTIILTAV